The following is an entry in ClinVar:

ClinVar aggregate classification (germline): Uncertain significance (1 of 4 stars; one submission).

Conditions:
Aortic aneurysm, familial thoracic 8 (AAT8). Identifiers: MedGen C3809513, MONDO:0014187, OMIM 615436.

Submission:

Labcorp Genetics (formerly Invitae), Labcorp
Classification: Uncertain significance for Aortic aneurysm, familial thoracic 8. Last evaluated: 2025-03-24. Review status: criteria provided, single submitter. Criteria: Invitae Variant Classification Sherloc (09022015). Collection method: clinical testing. Allele origin: germline.
Comment: This sequence change replaces methionine, which is neutral and non-polar, with valine, which is neutral and non-polar, at codon 158 of the PRKG1 protein (p.Met158Val). This variant is not present in population databases (gnomAD no frequency). This variant has not been reported in the literature in individuals affected with PRKG1-related conditions. An algorithm developed to predict the effect of missense changes on protein structure and function (PolyPhen-2) suggests that this variant is likely to be tolerated. In summary, the available evidence is currently insufficient to determine the role of this variant in disease. Therefore, it has been classified as a Variant of Uncertain Significance.

NM_006258.4(PRKG1):c.472A>G (p.Met158Val)

Gene: PRKG1 (protein kinase cGMP-dependent 1; plus strand). Cytogenetic location: 10q21.1.
Variant type: single nucleotide variant.
Coding change: c.472A>G on transcript NM_006258.4 (MANE Select); coding-DNA position 472, A replaced by G.
Protein change: p.Met158Val; replaces methionine 158 with valine.
Molecular consequence: missense variant.
Genome position (GRCh38, 1-based): chr10:51,153,324, A>G. VCF-style: chr10-51153324-A-G. GRCh37 (hg19) VCF-style: chr10-52913084-A-G.
Other names: c.427A>G, p.Met143Val (NM_001098512.3); c.472A>G, p.Met158Val (NM_001374782.1); short protein forms M143V, M158V.
Identifiers: ClinVar variation 4706316 (VCV004706316.1).